The following is an entry in ClinVar:

ClinVar aggregate classification (germline): Uncertain significance. Review status: criteria provided, multiple submitters, no conflicts (2 of 4 stars). 4 submissions from 4 submitters: Uncertain significance (4). Last evaluated 2025-10-08.

Conditions:
Renal tubular dysgenesis of genetic origin. Also called: PRIMITIVE RENAL TUBULE SYNDROME. Identifiers: Orphanet 97369, MedGen C5681536, MONDO:0009970, OMIM 267430.
Familial juvenile hyperuricemic nephropathy type 2 (ADTKD4). Also called: EARLY-ONSET HYPERURICEMIA, ANEMIA, AND PROGRESSIVE KIDNEY FAILURE; Autosomal Dominant Tubulointerstitial Kidney Disease – REN. Identifiers: Orphanet 217330, MedGen C2751310, MONDO:0013128, OMIM 613092.
Inborn genetic diseases. Identifiers: MedGen C0950123, MeSH D030342.

Allele frequency attached by ClinVar (database versions not stated): ExAC 0.00002; gnomAD 0.00003; ESP Exome Variant Server 0.00008; TOPMed 0.00008; gnomAD exomes 0.00010.
gnomAD v4.1: 157 of 1,613,934 alleles (0.0097%); highest among the groups gnomAD compares: Non-Finnish European, 0.012%; no homozygotes.

Submissions (4):

Labcorp Genetics (formerly Invitae), Labcorp
Classification: Uncertain significance. Last evaluated: 2025-10-08. Review status: criteria provided, single submitter. Criteria: Invitae Variant Classification Sherloc (09022015). Collection method: clinical testing. Allele origin: germline.
Comment: This sequence change replaces arginine, which is basic and polar, with glutamine, which is neutral and polar, at codon 387 of the REN protein (p.Arg387Gln). This variant is present in population databases (rs371478505, gnomAD 0.007%). This variant has not been reported in the literature in individuals affected with REN-related conditions. ClinVar contains an entry for this variant (Variation ID: 2415388). Invitae Evidence Modeling of protein sequence and biophysical properties (such as structural, functional, and spatial information, amino acid conservation, physicochemical variation, residue mobility, and thermodynamic stability) indicates that this missense variant is not expected to disrupt REN protein function with a negative predictive value of 80%. In summary, the available evidence is currently insufficient to determine the role of this variant in disease. Therefore, it has been classified as a Variant of Uncertain Significance.

Fulgent Genetics
Classification: Uncertain significance for Renal tubular dysgenesis of genetic origin; Familial juvenile hyperuricemic nephropathy type 2. Last evaluated: 2024-04-23. Review status: criteria provided, single submitter. Criteria: ACMG Guidelines, 2015. Collection method: clinical testing. Allele origin: germline.

Ambry Genetics
Classification: Uncertain significance for Inborn genetic diseases. Last evaluated: 2023-02-22. Review status: criteria provided, single submitter. Criteria: Ambry Variant Classification Scheme 2023. Collection method: clinical testing. Allele origin: germline.

Johns Hopkins Genomics, Johns Hopkins University
Classification: Uncertain significance for Familial juvenile hyperuricemic nephropathy type 2. Last evaluated: 2022-11-29. Review status: criteria provided, single submitter. Criteria: ACMG Guidelines, 2015. Collection method: clinical testing. Allele origin: germline.
Comment: This REN missense variant (rs371478505) is rare (<0.1%) in a large population dataset (gnomAD v2.1.1: 13/280654 total alleles; 0.0046%; no homozygotes), and has not been reported in ClinVar nor the literature, to our knowledge. Two bioinformatic tools queried predict that this substitution would be tolerated, and the arginine residue at this position is evolutionarily conserved across many of the species assessed. We consider the clinical significance of c.1160G>A; p.Arg387Gln in REN to be uncertain at this time.

Literature cited by the submitters: PubMed 21473025 (cited by Johns Hopkins Genomics, Johns Hopkins University).

NM_000537.4(REN):c.1160G>A (p.Arg387Gln)

Gene: REN (renin; minus strand). Cytogenetic location: 1q32.1.
Variant type: single nucleotide variant.
Coding change: c.1160G>A on transcript NM_000537.4 (MANE Select); coding-DNA position 1160, G replaced by A.
Protein change: p.Arg387Gln; replaces arginine 387 with glutamine.
Molecular consequence: missense variant.
Genome position (GRCh38, 1-based): chr1:204,155,077, C>T on the plus strand (G>A on the coding strand, the complement: REN is on the minus strand). VCF-style: chr1-204155077-C-T. GRCh37 (hg19) VCF-style: chr1-204124205-C-T.
Other names: c.1160G>A (NM_000537.3); short protein forms R387Q.
Identifiers: ClinVar variation 2415388 (VCV002415388.11), dbSNP rs371478505, ClinGen allele CA1344642.